The following is an entry in ClinVar:

ClinVar aggregate classification (germline): Uncertain significance (1 of 4 stars; one submission).

gnomAD v4.1: 27 of 1,518,956 alleles (0.0018%); highest among the groups gnomAD compares: Middle Eastern, 0.018%; no homozygotes.

Submission:

Ambry Genetics
Classification: Uncertain significance. Last evaluated: 2024-11-25. Review status: criteria provided, single submitter. Criteria: Ambry Variant Classification Scheme 2023. Collection method: clinical testing. Allele origin: germline.
Comment: The p.G1810E variant (also known as c.5429G>A), located in coding exon 22 of the WNK2 gene, results from a G to A substitution at nucleotide position 5429. The glycine at codon 1810 is replaced by glutamic acid, an amino acid with similar properties. This amino acid position is conserved. In addition, the in silico prediction for this alteration is inconclusive. Based on the available evidence, the clinical significance of this variant remains unclear.

NM_006648.4(WNK2):c.5429G>A (p.Gly1810Glu)

Gene: WNK2 (WNK lysine deficient protein kinase 2; plus strand). Cytogenetic location: 9q22.31.
Variant type: single nucleotide variant.
Coding change: c.5429G>A on transcript NM_006648.4 (MANE Select); coding-DNA position 5429, G replaced by A.
Protein change: p.Gly1810Glu; replaces glycine 1810 with glutamic acid.
Molecular consequence: missense variant.
Genome position (GRCh38, 1-based): chr9:93,292,894, G>A. VCF-style: chr9-93292894-G-A. GRCh37 (hg19) VCF-style: chr9-96055176-G-A.
Other names: c.5540G>A, p.Gly1847Glu (NM_001282394.3); short protein forms G1847E, G1810E.
Identifiers: ClinVar variation 3470403 (VCV003470403.1).